The following is an entry in ClinVar:

NM_001267550.2(TTN):c.1245+20G>T

Gene: TTN (titin; minus strand). Cytogenetic location: 2q31.2.
Variant type: single nucleotide variant.
Coding change: c.1245+20G>T on transcript NM_001267550.2 (MANE Select); 20 bases into the intron after coding-DNA position 1245, G replaced by T.
Molecular consequence: intron variant.
Genome position (GRCh38, 1-based): chr2:178,794,902, C>A on the plus strand (G>T on the coding strand, the complement: TTN is on the minus strand). VCF-style: chr2-178794902-C-A. GRCh37 (hg19) VCF-style: chr2-179659629-C-A.
Other names: c.1245+20G>T (NM_003319.4, NM_133437.4, NM_133432.3 and 3 more transcripts).
Identifiers: ClinVar variation 516798 (VCV000516798.16), dbSNP rs371234481, ClinGen allele CA2006112.

ClinVar aggregate classification (germline): Likely benign. Review status: criteria provided, multiple submitters, no conflicts (2 of 4 stars). 7 submissions from 7 submitters: Likely benign (3). 4 of the submissions do not count toward it. Last evaluated 2026-02-04.

Conditions:
Autosomal recessive limb-girdle muscular dystrophy type 2J (LGMDR10). Also called: Limb-girdle muscular dystrophy, type 2J; MUSCULAR DYSTROPHY, LIMB-GIRDLE, AUTOSOMAL RECESSIVE 10. Identifiers: Orphanet 140922, MedGen C1837342, MONDO:0012127, OMIM 608807.
Dilated cardiomyopathy 1G (CMD1G). Identifiers: Orphanet 154, MedGen C1858763, MONDO:0011400, OMIM 604145.

Allele frequency attached by ClinVar (database versions not stated): ExAC 0.00007; gnomAD exomes 0.00008; TOPMed 0.00008; gnomAD 0.00009; ESP Exome Variant Server 0.00015.
gnomAD v4.1: 282 of 1,599,856 alleles (0.018%); highest among the groups gnomAD compares: Non-Finnish European, 0.024%; no homozygotes.

Submissions (7):

Labcorp Genetics (formerly Invitae), Labcorp
Classification: Likely benign for Dilated cardiomyopathy 1G; Autosomal recessive limb-girdle muscular dystrophy type 2J. Last evaluated: 2026-02-04. Review status: criteria provided, single submitter. Criteria: Invitae Variant Classification Sherloc (09022015). Collection method: clinical testing. Allele origin: germline.

Blueprint Genetics
Classification: Likely benign. Last evaluated: 2024-10-23. Review status: criteria provided, single submitter. Criteria: ACMG Guidelines, 2015. Collection method: clinical testing. Allele origin: germline.

GeneDx
Classification: Likely benign. Last evaluated: 2017-08-22. Review status: criteria provided, single submitter. Criteria: GeneDx Variant Classification (06012015). Collection method: clinical testing. Allele origin: germline. Affected: yes.
Comment: This variant is considered likely benign or benign based on one or more of the following criteria: it is a conservative change, it occurs at a poorly conserved position in the protein, it is predicted to be benign by multiple in silico algorithms, and/or has population frequency not consistent with disease.

Clinical Genetics DNA and cytogenetics Diagnostics Lab, Erasmus MC, Erasmus Medical Center
Classification: Likely benign. Review status: no assertion criteria provided. Collection method: clinical testing. Allele origin: germline. Affected: yes. Study: VKGL Data-share Consensus. Not counted in ClinVar's aggregate classification.

Clinical Genetics, Academic Medical Center
Classification: Benign. Review status: no assertion criteria provided. Collection method: clinical testing. Allele origin: germline. Affected: yes. Study: VKGL Data-share Consensus. Not counted in ClinVar's aggregate classification.

Diagnostic Laboratory, Department of Genetics, University Medical Center Groningen
Classification: Likely benign. Review status: no assertion criteria provided. Collection method: clinical testing. Allele origin: germline. Affected: yes. Study: VKGL Data-share Consensus. Not counted in ClinVar's aggregate classification.

Genome Diagnostics Laboratory, University Medical Center Utrecht
Classification: Likely benign. Review status: no assertion criteria provided. Collection method: clinical testing. Allele origin: germline. Affected: yes. Study: VKGL Data-share Consensus. Not counted in ClinVar's aggregate classification.